The following is an entry in ClinVar:

NM_007315.4(STAT1):c.501A>C (p.Gln167His)

Gene: STAT1 (signal transducer and activator of transcription 1; minus strand). Cytogenetic location: 2q32.2.
Variant type: single nucleotide variant.
Coding change: c.501A>C on transcript NM_007315.4 (MANE Select); coding-DNA position 501, A replaced by C.
Protein change: p.Gln167His; replaces glutamine 167 with histidine.
Molecular consequence: missense variant.
Genome position (GRCh38, 1-based): chr2:190,999,666, T>G on the plus strand (A>C on the coding strand, the complement: STAT1 is on the minus strand). VCF-style: chr2-190999666-T-G. GRCh37 (hg19) VCF-style: chr2-191864392-T-G.
Other names: c.501A>C, p.Gln167His (NM_001384880.1, NM_001384882.1, NM_001384885.1 and 5 more transcripts); c.507A>C, p.Gln169His (NM_001384881.1, NM_001384884.1); c.494A>C, p.Lys165Thr (NM_001384883.1); c.411A>C, p.Gln137His (NM_001384890.1); c.537A>C, p.Gln179His (NM_001384891.1); short protein forms K165T, Q137H, Q167H, Q169H, Q179H.
Identifiers: ClinVar variation 2431376 (VCV002431376.1), dbSNP rs1167103580, ClinGen allele CA349924427.
Genomic context (GRCh38, chr2:190,999,666, plus strand): 5'-CTTCAGTTGTGAACCCTTACCTCTGTTCTGCAAGGTTTTGCATTTGAAGTCATATTCATC[T>G]TGTAAATCTTCCAGGCTCTTGATTTCATGCTCTATACACTACAAACAAAGATGTAAACAT-3'
Protein context (NP_009330.1, residues 157-177): EHEIKSLEDL[Gln167His]DEYDFKCKTL

ClinVar aggregate classification (germline): Uncertain significance (1 of 4 stars; one submission).

Conditions:
Autoimmune enteropathy and endocrinopathy - susceptibility to chronic infections syndrome. Also called: Immunodeficiency 31C, autosomal dominant; Immunodeficiency 31C. Identifiers: Orphanet 391487, MedGen C3279990, MONDO:0013599, OMIM 614162.

Submission:

Laboratorio de Genetica e Diagnostico Molecular, Hospital Israelita Albert Einstein
Classification: Uncertain significance for Autoimmune enteropathy and endocrinopathy - susceptibility to chronic infections syndrome. Last evaluated: 2022-05-18. Review status: criteria provided, single submitter. Criteria: ACMG Guidelines, 2015. Collection method: clinical testing. Allele origin: germline. Affected: yes. Observed: 1 variant allele.
Comment: ACMG classification criteria: PS4 supporting, PM2 moderated, PP2 supporting